The following is an entry in ClinVar:

NM_001184.4(ATR):c.2705C>G (p.Ser902Cys)

Gene: ATR (ATR checkpoint kinase; minus strand). Cytogenetic location: 3q23.
Variant type: single nucleotide variant.
Coding change: c.2705C>G on transcript NM_001184.4 (MANE Select); coding-DNA position 2705, C replaced by G.
Protein change: p.Ser902Cys; replaces serine 902 with cysteine.
Molecular consequence: missense variant.
Genome position (GRCh38, 1-based): chr3:142,553,327, G>C on the plus strand (C>G on the coding strand, the complement: ATR is on the minus strand). VCF-style: chr3-142553327-G-C. GRCh37 (hg19) VCF-style: chr3-142272169-G-C.
Other names: c.2513C>G, p.Ser838Cys (NM_001354579.2); c.2705C>G (NM_001184.3); short protein forms S902C, S838C.
Identifiers: ClinVar variation 2139772 (VCV002139772.7), dbSNP rs367926815, ClinGen allele CA84745715.

ClinVar aggregate classification (germline): Uncertain significance. Review status: criteria provided, multiple submitters, no conflicts (2 of 4 stars). 3 submissions from 3 submitters: Uncertain significance (3). Last evaluated 2024-10-16.

Conditions:
Inborn genetic diseases. Identifiers: MedGen C0950123, MeSH D030342.
Familial cutaneous telangiectasia and oropharyngeal predisposition cancer syndrome. Identifiers: Orphanet 313846, MedGen C3281203, MONDO:0013806, OMIM 614564.
Seckel syndrome 1 (SCKL1). Also called: MICROCEPHALIC PRIMORDIAL DWARFISM I. Identifiers: Orphanet 808, MedGen C4551474, MONDO:0008869, OMIM 210600.

Allele frequency attached by ClinVar (database versions not stated): gnomAD 0.00001; TOPMed 0.00002; gnomAD exomes 0.00007; ESP Exome Variant Server 0.00008.
gnomAD v4.1: 101 of 1,613,912 alleles (0.0063%); highest among the groups gnomAD compares: Non-Finnish European, 0.0082%; no homozygotes.

Submissions (3):

Labcorp Genetics (formerly Invitae), Labcorp
Classification: Uncertain significance. Last evaluated: 2024-10-16. Review status: criteria provided, single submitter. Criteria: Invitae Variant Classification Sherloc (09022015). Collection method: clinical testing. Allele origin: germline.
Comment: This sequence change replaces serine, which is neutral and polar, with cysteine, which is neutral and slightly polar, at codon 902 of the ATR protein (p.Ser902Cys). This variant is present in population databases (rs367926815, gnomAD 0.002%). This variant has not been reported in the literature in individuals affected with ATR-related conditions. ClinVar contains an entry for this variant (Variation ID: 2139772). An algorithm developed to predict the effect of missense changes on protein structure and function (PolyPhen-2) suggests that this variant¬†is likely to be tolerated. In summary, the available evidence is currently insufficient to determine the role of this variant in disease. Therefore, it has been classified as a Variant of Uncertain Significance.

Ambry Genetics
Classification: Uncertain significance for Inborn genetic diseases. Last evaluated: 2024-08-10. Review status: criteria provided, single submitter. Criteria: Ambry Variant Classification Scheme 2023. Collection method: clinical testing. Allele origin: germline.

Fulgent Genetics
Classification: Uncertain significance for Seckel syndrome 1; Familial cutaneous telangiectasia and oropharyngeal predisposition cancer syndrome. Last evaluated: 2024-06-21. Review status: criteria provided, single submitter. Criteria: ACMG Guidelines, 2015. Collection method: clinical testing. Allele origin: germline.